The following is an entry in ClinVar:

NM_020366.4(RPGRIP1):c.2935C>T (p.Gln979Ter)

Gene: RPGRIP1 (RPGR interacting protein 1; plus strand). Cytogenetic location: 14q11.2.
Variant type: single nucleotide variant.
Coding change: c.2935C>T on transcript NM_020366.4 (MANE Select); coding-DNA position 2935, C replaced by T.
Protein change: p.Gln979Ter; replaces glutamine 979 with a stop codon.
Molecular consequence: nonsense.
Genome position (GRCh38, 1-based): chr14:21,328,463, C>T. VCF-style: chr14-21328463-C-T. GRCh37 (hg19) VCF-style: chr14-21796622-C-T.
Other names: c.913C>T, p.Gln305Ter (NM_001377523.1, NM_001377950.1); c.1861C>T, p.Gln621Ter (NM_001377948.1); c.1021C>T, p.Gln341Ter (NM_001377949.1); c.415C>T, p.Gln139Ter (NM_001377951.1); short protein forms Q979*, Q139*, Q305*, Q341*, Q621*.
Identifiers: ClinVar variation 812426 (VCV000812426.9), dbSNP rs1371805993, ClinGen allele CA388870957.

ClinVar aggregate classification (germline): Pathogenic. Review status: criteria provided, multiple submitters, no conflicts (2 of 4 stars). 5 submissions from 5 submitters: Pathogenic (4). 1 of the submissions does not count toward it. Last evaluated 2025-10-24.

Conditions:
Retinitis pigmentosa (RP). Identifiers: Orphanet 791, MedGen C0035334, MeSH D012174, MONDO:0019200, OMIM 268000. Inheritance: Autosomal dominant, autosomal recessive and X linked inheritance.
Cone-rod dystrophy 13 (CORD13). Identifiers: Orphanet 1872, MedGen C2750720, MONDO:0011987, OMIM 608194.
Leber congenital amaurosis 6 (LCA6). Identifiers: Orphanet 65, MedGen C1854260, MONDO:0013446, OMIM 613826.
RPGRIP1-related disorder. Also called: RPGRIP1-related condition.
Retinal disorder. Also called: Retinal disorders; Retinopathy; Retinopathies; Retinal Diseases. Identifiers: MedGen C0035309, MONDO:0005283, HP:0000488.

Allele frequency attached by ClinVar (database versions not stated): gnomAD exomes below 0.00001; TOPMed 0.00001.
gnomAD v4.1: 1 of 1,613,612 alleles (0.000062%); highest among the groups gnomAD compares: Middle Eastern, 0.016%; no homozygotes.

Submissions (5):

Genetics Laboratory, Great Ormond Street Hospital NHS Foundation Trust, North Thames Genomic Laboratory Hub
Classification: Pathogenic for Retinal disorders. Last evaluated: 2025-10-24. Review status: criteria provided, single submitter. Criteria: ACGS Best Practice Guidelines for Variant Classification in Rare Disease 2024 v1.2. Collection method: clinical testing. Allele origin: germline. Affected: yes.
Comment: PM2_moderate, PVS1_very-strong

3billion
Classification: Pathogenic for Cone-rod dystrophy 13. Last evaluated: 2025-10-01. Review status: criteria provided, single submitter. Criteria: ACMG Guidelines, 2015. Collection method: clinical testing. Allele origin: germline. Affected: yes.
Comment: The variant is observed at an extremely low frequency in the gnomAD v4.1.0 dataset (total allele frequency: <0.001%). Predicted Consequence/Location: Stop-gained (nonsense): predicted to result in a loss or disruption of normal protein function through nonsense-mediated decay (NMD) or protein truncation. Multiple pathogenic variants are reported downstream of the variant. The variant has been reported to be associated with RPGRIP1-related disorder (ClinVar ID: VCV000812426 /PMID: 29178642). Therefore, this variant is classified as Pathogenic according to the recommendation of ACMG/AMP guideline.

Blueprint Genetics
Classification: Pathogenic for RPGRIP1-related disorders. Last evaluated: 2022-09-02. Review status: criteria provided, single submitter. Criteria: ACMG Guidelines, 2015. Collection method: clinical testing. Allele origin: germline. Affected: yes. Observed: 1 variant allele.

Labcorp Genetics (formerly Invitae), Labcorp
Classification: Pathogenic for Leber congenital amaurosis 6; Cone-rod dystrophy 13. Last evaluated: 2021-08-17. Review status: criteria provided, single submitter. Criteria: Invitae Variant Classification Sherloc (09022015). Collection method: clinical testing. Allele origin: germline.
Comment: This sequence change creates a premature translational stop signal (p.Gln979*) in the RPGRIP1 gene. It is expected to result in an absent or disrupted protein product. Loss-of-function variants in RPGRIP1 are known to be pathogenic (PMID: 11528500, 23105016). This variant is not present in population databases (ExAC no frequency). This premature translational stop signal has been observed in individual(s) with Leber congenital amaurosis and retinitis pigmentosa (PMID: 29178642, 31456290). ClinVar contains an entry for this variant (Variation ID: 812426). For these reasons, this variant has been classified as Pathogenic.

Sharon lab, Hadassah-Hebrew University Medical Center
Classification: Pathogenic for Retinitis pigmentosa. Last evaluated: 2019-06-23. Review status: no assertion criteria provided. Collection method: research. Allele origin: inherited. Affected: yes. Not counted in ClinVar's aggregate classification.

Literature cited by the submitters: PubMed 29178642 (cited by 3billion and Labcorp Genetics (formerly Invitae), Labcorp); PubMed 11528500 (cited by Labcorp Genetics (formerly Invitae), Labcorp); PubMed 23105016 (cited by Labcorp Genetics (formerly Invitae), Labcorp); PubMed 31456290 (cited by Labcorp Genetics (formerly Invitae), Labcorp).